The following is an entry in ClinVar:

ClinVar aggregate classification (germline): Uncertain significance (1 of 4 stars; one submission).

Conditions:
Nemaline myopathy 2 (NEM2). Also called: Nemaline myopathy 2, autosomal recessive. Identifiers: MedGen C1850569, MONDO:0009725, OMIM 256030.

Submission:

Labcorp Genetics (formerly Invitae), Labcorp
Classification: Uncertain significance for Nemaline myopathy 2. Last evaluated: 2022-02-03. Review status: criteria provided, single submitter. Criteria: Invitae Variant Classification Sherloc (09022015). Collection method: clinical testing. Allele origin: germline.
Comment: This variant has not been reported in the literature in individuals affected with NEB-related conditions. In summary, the available evidence is currently insufficient to determine the role of this variant in disease. Therefore, it has been classified as a Variant of Uncertain Significance. Algorithms developed to predict the effect of missense changes on protein structure and function are either unavailable or do not agree on the potential impact of this missense change (SIFT: "Tolerated"; PolyPhen-2: "Not Available"; Align-GVGD: "Class C0"). ClinVar contains an entry for this variant (Variation ID: 963090). This variant is not present in population databases (gnomAD no frequency). This sequence change replaces valine, which is neutral and non-polar, with alanine, which is neutral and non-polar, at codon 6105 of the NEB protein (p.Val6105Ala).

NM_001164508.2(NEB):c.18314T>C (p.Val6105Ala)

Gene: NEB (nebulin; minus strand). Cytogenetic location: 2q23.3.
Variant type: single nucleotide variant.
Coding change: c.18314T>C on transcript NM_001164508.2 (MANE Select); coding-DNA position 18314, T replaced by C.
Protein change: p.Val6105Ala; replaces valine 6105 with alanine.
Molecular consequence: missense variant.
Genome position (GRCh38, 1-based): chr2:151,565,553, A>G on the plus strand (T>C on the coding strand, the complement: NEB is on the minus strand). VCF-style: chr2-151565553-A-G. GRCh37 (hg19) VCF-style: chr2-152422067-A-G.
Other names: c.18314T>C, p.Val6105Ala (NM_001164507.2, NM_001271208.2); c.13211T>C, p.Val4404Ala (NM_004543.5); short protein forms V4404A, V6105A.
Identifiers: ClinVar variation 963090 (VCV000963090.9), dbSNP rs2096324310, ClinGen allele CA348801239.